The following is an entry in ClinVar:

NM_152703.5(SAMD9L):c.764C>T (p.Thr255Ile)

Gene: SAMD9L (sterile alpha motif domain containing 9 like; minus strand). Cytogenetic location: 7q21.2.
Variant type: single nucleotide variant.
Coding change: c.764C>T on transcript NM_152703.5 (MANE Select); coding-DNA position 764, C replaced by T.
Protein change: p.Thr255Ile; replaces threonine 255 with isoleucine.
Molecular consequence: missense variant.
Genome position (GRCh38, 1-based): chr7:93,135,208, G>A on the plus strand (C>T on the coding strand, the complement: SAMD9L is on the minus strand). VCF-style: chr7-93135208-G-A. GRCh37 (hg19) VCF-style: chr7-92764521-G-A.
Other names: c.764C>T, p.Thr255Ile (NM_001303496.3, NM_001303497.3, NM_001303498.3 and 5 more transcripts); short protein forms T255I.
Identifiers: ClinVar variation 3437212 (VCV003437212.3).
Genomic context (GRCh38, chr7:93,135,208, plus strand): 5'-CTTTCTTCAAAATACTTTTTGATCATTACATTGAAGTGGTCAATGAAGGCAGCCTTACTG[G>A]TGATTTTCACACCAACAATTTCTCCATGGGGTTTGTCCTTGACTCCAAAATGGATGGTGC-3'
Protein context (NP_689916.2, residues 245-265): PHGEIVGVKI[Thr255Ile]SKAAFIDHFN

ClinVar aggregate classification (germline): Uncertain significance. Review status: criteria provided, multiple submitters, no conflicts (2 of 4 stars). 2 submissions from 2 submitters: Uncertain significance (2). Last evaluated 2025-10-03.

Conditions:
Inborn genetic diseases. Identifiers: MedGen C0950123, MeSH D030342.

gnomAD v4.1: 13 of 1,613,908 alleles (0.00081%); highest among the groups gnomAD compares: South Asian, 0.011%; no homozygotes.

Submissions (2):

Labcorp Genetics (formerly Invitae), Labcorp
Classification: Uncertain significance. Last evaluated: 2025-10-03. Review status: criteria provided, single submitter. Criteria: Invitae Variant Classification Sherloc (09022015). Collection method: clinical testing. Allele origin: germline.
Comment: This sequence change replaces threonine, which is neutral and polar, with isoleucine, which is neutral and non-polar, at codon 255 of the SAMD9L protein (p.Thr255Ile). This variant is not present in population databases (gnomAD no frequency). This variant has not been reported in the literature in individuals affected with SAMD9L-related conditions. ClinVar contains an entry for this variant (Variation ID: 3437212). An algorithm developed to predict the effect of missense changes on protein structure and function (PolyPhen-2) suggests that this variant is likely to be tolerated. In summary, the available evidence is currently insufficient to determine the role of this variant in disease. Therefore, it has been classified as a Variant of Uncertain Significance.

Ambry Genetics
Classification: Uncertain significance for Inborn genetic diseases. Last evaluated: 2024-12-02. Review status: criteria provided, single submitter. Criteria: Ambry Variant Classification Scheme 2023. Collection method: clinical testing. Allele origin: germline.
Comment: The p.T255I variant (also known as c.764C>T), located in coding exon 1 of the SAMD9L gene, results from a C to T substitution at nucleotide position 764. The threonine at codon 255 is replaced by isoleucine, an amino acid with similar properties. This amino acid position is conserved. In addition, this alteration is predicted to be tolerated by in silico analysis. Based on the available evidence, the clinical significance of this variant remains unclear.